The following is an entry in ClinVar:

NM_001267550.2(TTN):c.95722T>A (p.Tyr31908Asn)

Genes: TTN (titin; minus strand), TTN-AS1 (TTN antisense RNA 1; plus strand). Cytogenetic location: 2q31.2.
Variant type: single nucleotide variant.
Coding change: c.95722T>A on transcript NM_001267550.2 (MANE Select); coding-DNA position 95722, T replaced by A.
Protein change: p.Tyr31908Asn; replaces tyrosine 31908 with asparagine.
Molecular consequence: missense variant.
Genome position (GRCh38, 1-based): chr2:178,545,388, A>T on the plus strand (T>A on the coding strand, the complement: TTN is on the minus strand). VCF-style: chr2-178545388-A-T. GRCh37 (hg19) VCF-style: chr2-179410115-A-T.
Other names: c.90799T>A, p.Tyr30267Asn (NM_001256850.1); c.68527T>A, p.Tyr22843Asn (NM_003319.4); c.88018T>A, p.Tyr29340Asn (NM_133378.4); c.68902T>A, p.Tyr22968Asn (NM_133432.3); c.69103T>A, p.Tyr23035Asn (NM_133437.4); short protein forms Y22843N, Y22968N, Y23035N, Y29340N, Y30267N, Y31908N.
Identifiers: ClinVar variation 1331259 (VCV001331259.2), dbSNP rs199781261, ClinGen allele CA349458822.

ClinVar aggregate classification (germline): Uncertain significance (1 of 4 stars; one submission).

gnomAD v4.1: 1 of 1,555,026 alleles (0.000064%); highest among the groups gnomAD compares: Non-Finnish European, 0.000087%; no homozygotes.

Submission:

GeneDx
Classification: Uncertain significance. Last evaluated: 2021-07-01. Review status: criteria provided, single submitter. Criteria: GeneDx Variant Classification Process June 2021. Collection method: clinical testing. Allele origin: germline. Affected: yes.
Comment: Not observed at significant frequency in large population cohorts (Lek et al., 2016); Missense variant in a gene in which most reported pathogenic variants are truncating/loss-of-function; Has not been previously published as pathogenic or benign to our knowledge; This variant is associated with the following publications: (PMID: 27535533)